The following is an entry in ClinVar:

ClinVar aggregate classification (germline): Uncertain significance. Review status: criteria provided, multiple submitters, no conflicts (2 of 4 stars). 2 submissions from 2 submitters: Uncertain significance (2). Last evaluated 2025-04-20.

Conditions:
Inborn genetic diseases. Identifiers: MedGen C0950123, MeSH D030342.

Allele frequency attached by ClinVar (database versions not stated): gnomAD exomes 0.00001; gnomAD 0.00004; TOPMed 0.00005.
gnomAD v4.1: 18 of 1,613,866 alleles (0.0011%); highest among the groups gnomAD compares: African/African-American, 0.011%; no homozygotes.

Submissions (2):

Ambry Genetics
Classification: Uncertain significance for Inborn genetic diseases. Last evaluated: 2025-04-20. Review status: criteria provided, single submitter. Criteria: Ambry Variant Classification Scheme 2023. Collection method: clinical testing. Allele origin: germline.

Labcorp Genetics (formerly Invitae), Labcorp
Classification: Uncertain significance. Last evaluated: 2022-04-29. Review status: criteria provided, single submitter. Criteria: Invitae Variant Classification Sherloc (09022015). Collection method: clinical testing. Allele origin: germline.
Comment: This sequence change replaces glycine, which is neutral and non-polar, with arginine, which is basic and polar, at codon 839 of the ADAMTSL4 protein (p.Gly839Arg). This variant is present in population databases (no rsID available, gnomAD 0.004%). This variant has not been reported in the literature in individuals affected with ADAMTSL4-related conditions. Algorithms developed to predict the effect of missense changes on protein structure and function (SIFT, PolyPhen-2, Align-GVGD) all suggest that this variant is likely to be disruptive. In summary, the available evidence is currently insufficient to determine the role of this variant in disease. Therefore, it has been classified as a Variant of Uncertain Significance.

NM_019032.6(ADAMTSL4):c.2515G>A (p.Gly839Arg)

Gene: ADAMTSL4 (ADAMTS like 4; plus strand). Cytogenetic location: 1q21.2.
Variant type: single nucleotide variant.
Coding change: c.2515G>A on transcript NM_019032.6 (MANE Select); coding-DNA position 2515, G replaced by A.
Protein change: p.Gly839Arg; replaces glycine 839 with arginine.
Molecular consequence: missense variant.
Genome position (GRCh38, 1-based): chr1:150,558,605, G>A. VCF-style: chr1-150558605-G-A. GRCh37 (hg19) VCF-style: chr1-150531081-G-A.
Other names: c.2398G>A, p.Gly800Arg (NM_001288607.2); c.2584G>A, p.Gly862Arg (NM_001288608.2); c.2515G>A, p.Gly839Arg (NM_001378596.1, NM_025008.5); c.2515G>A (NM_019032.4); short protein forms G862R, G839R, G800R.
Identifiers: ClinVar variation 1443714 (VCV001443714.6), dbSNP rs934411547, ClinGen allele CA30072667.